The following is an entry in ClinVar:

ClinVar aggregate classification (germline): Uncertain significance. Review status: criteria provided, multiple submitters, no conflicts (2 of 4 stars). 5 submissions from 5 submitters: Uncertain significance (5). Last evaluated 2024-04-04.

Conditions:
Joubert syndrome 14 (JBTS14). Identifiers: MedGen C3280766, MONDO:0013745, OMIM 614424.
Inborn genetic diseases. Identifiers: MedGen C0950123, MeSH D030342.

Allele frequency attached by ClinVar (database versions not stated): gnomAD exomes 0.00002; gnomAD 0.00003; TOPMed 0.00003.

Submissions (5):

Genomic Medicine Center of Excellence, King Faisal Specialist Hospital and Research Centre
Classification: Uncertain significance for Joubert syndrome 14. Last evaluated: 2024-04-04. Review status: criteria provided, single submitter. Criteria: ACMG Guidelines, 2015. Collection method: clinical testing. Allele origin: germline.

Labcorp Genetics (formerly Invitae), Labcorp
Classification: Uncertain significance for Joubert syndrome 14. Last evaluated: 2022-10-13. Review status: criteria provided, single submitter. Criteria: Invitae Variant Classification Sherloc (09022015). Collection method: clinical testing. Allele origin: germline.
Comment: This sequence change replaces alanine, which is neutral and non-polar, with valine, which is neutral and non-polar, at codon 269 of the TMEM237 protein (p.Ala269Val). This variant is present in population databases (rs768672107, gnomAD 0.01%). This variant has not been reported in the literature in individuals affected with TMEM237-related conditions. ClinVar contains an entry for this variant (Variation ID: 864086). Advanced modeling of protein sequence and biophysical properties (such as structural, functional, and spatial information, amino acid conservation, physicochemical variation, residue mobility, and thermodynamic stability) performed at Invitae indicates that this missense variant is not expected to disrupt TMEM237 protein function. In summary, the available evidence is currently insufficient to determine the role of this variant in disease. Therefore, it has been classified as a Variant of Uncertain Significance.

Department of Pathology and Laboratory Medicine, Sinai Health System
Classification: Uncertain significance for Joubert syndrome 14. Last evaluated: 2022-06-15. Review status: criteria provided, single submitter. Criteria: ACMG Guidelines, 2015. Collection method: research. Allele origin: germline.

Ambry Genetics
Classification: Uncertain significance for Inborn genetic diseases. Last evaluated: 2021-12-17. Review status: criteria provided, single submitter. Criteria: Ambry Variant Classification Scheme 2023. Collection method: clinical testing. Allele origin: germline.

Blueprint Genetics
Classification: Uncertain significance. Last evaluated: 2019-12-18. Review status: criteria provided, single submitter. Criteria: ACMG Guidelines, 2015. Collection method: clinical testing. Allele origin: germline.

NM_001044385.3(TMEM237):c.806C>T (p.Ala269Val)

Gene: TMEM237 (transmembrane protein 237; minus strand). Cytogenetic location: 2q33.1.
Variant type: single nucleotide variant.
Coding change: c.806C>T on transcript NM_001044385.3 (MANE Select); coding-DNA position 806, C replaced by T.
Protein change: p.Ala269Val; replaces alanine 269 with valine.
Molecular consequence: missense variant.
Genome position (GRCh38, 1-based): chr2:201,629,293, G>A on the plus strand (C>T on the coding strand, the complement: TMEM237 is on the minus strand). VCF-style: chr2-201629293-G-A. GRCh37 (hg19) VCF-style: chr2-202494016-G-A.
Other names: c.806C>T (NM_001044385.1); c.782C>T, p.Ala261Val (NM_152388.4); short protein forms A269V, A261V.
Identifiers: ClinVar variation 864086 (VCV000864086.8), dbSNP rs768672107, ClinGen allele CA63953600.